The following is an entry in ClinVar:

ClinVar aggregate classification (germline): Conflicting classifications of pathogenicity. Review status: criteria provided, conflicting classifications (1 of 4 stars). 2 submissions from 2 submitters: Uncertain significance (1); Likely benign (1). Last evaluated 2026-02-05.

Conditions:
Hereditary cancer-predisposing syndrome. Also called: Neoplastic Syndromes, Hereditary; Hereditary Cancer Syndrome; Hereditary neoplastic syndrome; Tumor predisposition. Identifiers: Orphanet 140162, MedGen C0027672, MeSH D009386, MONDO:0015356.
Mitochondrial complex II deficiency, nuclear type 1. Also called: SUCCINATE CoQ REDUCTASE DEFICIENCY. Identifiers: Orphanet 3208, MedGen C5700310, MONDO:0100294, OMIM 252011.
Pheochromocytoma/paraganglioma syndrome 5. Also called: Paragangliomas 5; SDHA-Related Hereditary Paraganglioma-Pheochromocytoma Syndrome. Identifiers: Orphanet 29072, MedGen C3279992, MONDO:0013602, OMIM 614165.

Submissions (2):

Ambry Genetics
Classification: Likely benign for Hereditary cancer-predisposing syndrome. Last evaluated: 2026-02-05. Review status: criteria provided, single submitter. Criteria: Ambry Variant Classification Scheme 2023. Collection method: clinical testing. Allele origin: germline.

Labcorp Genetics (formerly Invitae), Labcorp
Classification: Uncertain significance for Pheochromocytoma/paraganglioma syndrome 5; Mitochondrial complex II deficiency, nuclear type 1. Last evaluated: 2022-03-07. Review status: criteria provided, single submitter. Criteria: Invitae Variant Classification Sherloc (09022015). Collection method: clinical testing. Allele origin: germline.
Comment: In summary, the available evidence is currently insufficient to determine the role of this variant in disease. Therefore, it has been classified as a Variant of Uncertain Significance. Advanced modeling of protein sequence and biophysical properties (such as structural, functional, and spatial information, amino acid conservation, physicochemical variation, residue mobility, and thermodynamic stability) performed at Invitae indicates that this missense variant is not expected to disrupt SDHA protein function. This variant has not been reported in the literature in individuals affected with SDHA-related conditions. This variant is not present in population databases (gnomAD no frequency). This sequence change replaces aspartic acid, which is acidic and polar, with asparagine, which is neutral and polar, at codon 38 of the SDHA protein (p.Asp38Asn).

NM_004168.4(SDHA):c.112G>A (p.Asp38Asn)

Gene: SDHA (succinate dehydrogenase complex flavoprotein subunit A; plus strand). Cytogenetic location: 5p15.33.
Variant type: single nucleotide variant.
Coding change: c.112G>A on transcript NM_004168.4 (MANE Select); coding-DNA position 112, G replaced by A.
Protein change: p.Asp38Asn; replaces aspartic acid 38 with asparagine.
Molecular consequence: missense variant.
Genome position (GRCh38, 1-based): chr5:223,530, G>A. VCF-style: chr5-223530-G-A. GRCh37 (hg19) VCF-style: chr5-223645-G-A.
Other names: c.112G>A (NM_004168.2); c.112G>A, p.Asp38Asn (NM_001294332.2, NM_001330758.2); short protein forms D38N.
Identifiers: ClinVar variation 1426368 (VCV001426368.13), dbSNP rs1553997174, ClinGen allele CA359008175.
Genomic context (GRCh38, chr5:223,530, plus strand): 5'-CTGTGTCTCCAGTGGCCAACAGTGTTGCAAACAGGAACCCGAGGTTTTCACTTCACTGTT[G>A]ATGGGAACAAGAGGGCATCTGCTAAAGTTTCAGATTCCGTAAGTTCATGCTTTTTGTTCC-3'
Protein context (NP_004159.2, residues 28-48): TGTRGFHFTV[Asp38Asn]GNKRASAKVS